The following is an entry in ClinVar:

ClinVar aggregate classification (germline): Uncertain significance (1 of 4 stars; one submission).

Conditions:
Hereditary cancer-predisposing syndrome. Also called: Neoplastic Syndromes, Hereditary; Tumor predisposition; Hereditary Cancer Syndrome; Hereditary neoplastic syndrome. Identifiers: Orphanet 140162, MedGen C0027672, MeSH D009386, MONDO:0015356.

gnomAD v4.1: 1 of 1,613,118 alleles (0.000062%); highest among the groups gnomAD compares: Non-Finnish European, 0.000085%; no homozygotes.

Submission:

Ambry Genetics
Classification: Uncertain significance for Hereditary cancer-predisposing syndrome. Last evaluated: 2025-03-20. Review status: criteria provided, single submitter. Criteria: Ambry Variant Classification Scheme 2023. Collection method: clinical testing. Allele origin: germline.
Comment: The p.K296N variant (also known as c.888G>C), located in coding exon 8 of the EPCAM gene, results from a G to C substitution at nucleotide position 888. The lysine at codon 296 is replaced by asparagine, an amino acid with similar properties. This amino acid position is conserved. In addition, this alteration is predicted to be tolerated by in silico analysis. Since supporting evidence is limited at this time, the clinical significance of this alteration remains unclear.

NM_002354.3(EPCAM):c.888G>C (p.Lys296Asn)

Gene: EPCAM (epithelial cell adhesion molecule; plus strand). Cytogenetic location: 2p21.
Variant type: single nucleotide variant.
Coding change: c.888G>C on transcript NM_002354.3 (MANE Select); coding-DNA position 888, G replaced by C.
Protein change: p.Lys296Asn; replaces lysine 296 with asparagine.
Molecular consequence: missense variant.
Genome position (GRCh38, 1-based): chr2:47,385,195, G>C. VCF-style: chr2-47385195-G-C. GRCh37 (hg19) VCF-style: chr2-47612334-G-C.
Other names: short protein forms K296N.
Identifiers: ClinVar variation 1764992 (VCV001764992.3), dbSNP rs762722885, ClinGen allele CA346725326.